The following is an entry in ClinVar:

NM_001037.5(SCN1B):c.448+181T>C

Gene: SCN1B (sodium voltage-gated channel beta subunit 1; plus strand). Cytogenetic location: 19q13.11.
Variant type: single nucleotide variant.
Coding change: c.448+181T>C on transcript NM_001037.5 (MANE Select); 181 bases into the intron after coding-DNA position 448, T replaced by C.
Molecular consequence: intron variant. On other transcripts: missense variant (1).
Genome position (GRCh38, 1-based): chr19:35,033,920, T>C. VCF-style: chr19-35033920-T-C. GRCh37 (hg19) VCF-style: chr19-35524824-T-C.
Other names: p.L210P:CTC>CCC; c.629T>C, p.Leu210Pro (NM_199037.5); c.349+181T>C (NM_001321605.2); short protein forms L210P.
Identifiers: ClinVar variation 138998 (VCV000138998.20), dbSNP rs55742440, ClinGen allele CA293220.

ClinVar aggregate classification (germline): Benign. Review status: criteria provided, multiple submitters, no conflicts (2 of 4 stars). 9 submissions from 9 submitters: Benign (6). 3 of the submissions do not count toward it. Last evaluated 2026-02-04.

Conditions:
Brugada syndrome 5 (BRGDA5). Identifiers: Orphanet 130, Orphanet 871, MedGen C2748541, MONDO:0013015, OMIM 612838.

Allele frequency attached by ClinVar (database versions not stated): gnomAD exomes 0.36421 and 0.36841; 1000 Genomes Project 0.37760; 1000 Genomes Project 30x 0.38257; gnomAD 0.41721 and 0.42428; TOPMed 0.42085; ESP Exome Variant Server 0.42140; ExAC 0.42618.
gnomAD v4.1: 580,475 of 1,567,610 alleles (37%); highest among the groups gnomAD compares: African/African-American, 53%; 110,048 homozygotes.

Submissions (9):

Labcorp Genetics (formerly Invitae), Labcorp
Classification: Benign for Brugada syndrome 5. Last evaluated: 2026-02-04. Review status: criteria provided, single submitter. Criteria: Invitae Variant Classification Sherloc (09022015). Collection method: clinical testing. Allele origin: germline.

Blueprint Genetics
Classification: Benign. Last evaluated: 2024-11-28. Review status: criteria provided, single submitter. Criteria: ACMG Guidelines, 2015. Collection method: clinical testing. Allele origin: germline.

Unidad de Genómica Garrahan, Hospital de Pediatría Garrahan
Classification: Benign. Last evaluated: 2024-07-15. Review status: criteria provided, single submitter. Criteria: ACMG Guidelines, 2015. Collection method: clinical testing. Allele origin: germline. Affected: no. Observed: 51 variant alleles.
Comment: This variant is classified as Benign based on local population frequency. This variant was detected in 55% of patients studied in a panel designed for Epileptic and Developmental Encephalopathy and Progressive Myoclonus Epilepsy. Number of patients: 51. Only high quality variants are reported.

GeneDx
Classification: Benign. Last evaluated: 2013-07-22. Review status: criteria provided, single submitter. Criteria: GeneDx Variant Classification (06012015). Collection method: clinical testing. Allele origin: germline. Affected: yes.
Comment: This variant is considered likely benign or benign based on one or more of the following criteria: it is a conservative change, it occurs at a poorly conserved position in the protein, it is predicted to be benign by multiple in silico algorithms, and/or has population frequency not consistent with disease.

Biesecker Lab/Clinical Genomics Section, National Institutes of Health
Classification: Benign. Last evaluated: 2013-06-24. Review status: criteria provided, single submitter. Criteria: Ng et al. (Circ Cardiovasc Genet. 2013). Collection method: research. Allele origin: unknown. Observed: 156 variant alleles. Study: ClinSeq.
Comment: The study set was not selected for affection status in relation to any cancer. Pathogenicity categories were based on literature curation. See Pubmed ID:23861362 for details.

Medical sequencing

Breakthrough Genomics
Classification: Benign. Review status: criteria provided, single submitter. Criteria: ACMG Guidelines, 2015. Collection method: not provided. Allele origin: germline. Inheritance: Autosomal recessive inheritance. Affected: yes.

Clinical Genetics, Academic Medical Center
Classification: Benign. Review status: no assertion criteria provided. Collection method: clinical testing. Allele origin: germline. Affected: yes. Study: VKGL Data-share Consensus. Not counted in ClinVar's aggregate classification.

Genome Diagnostics Laboratory, University Medical Center Utrecht
Classification: Benign. Review status: no assertion criteria provided. Collection method: clinical testing. Allele origin: germline. Affected: yes. Study: VKGL Data-share Consensus. Not counted in ClinVar's aggregate classification.

Joint Genome Diagnostic Labs from Nijmegen and Maastricht, Radboudumc and MUMC+
Classification: Benign. Review status: no assertion criteria provided. Collection method: clinical testing. Allele origin: germline. Affected: yes. Study: VKGL Data-share Consensus. Not counted in ClinVar's aggregate classification.